The following is an entry in ClinVar:

NM_170699.3(GPBAR1):c.664C>A (p.Gln222Lys)

Gene: GPBAR1 (G protein-coupled bile acid receptor 1; plus strand). Cytogenetic location: 2q35.
Variant type: single nucleotide variant.
Coding change: c.664C>A on transcript NM_170699.3 (MANE Select); coding-DNA position 664, C replaced by A.
Protein change: p.Gln222Lys; replaces glutamine 222 with lysine.
Molecular consequence: missense variant.
Genome position (GRCh38, 1-based): chr2:218,263,388, C>A. VCF-style: chr2-218263388-C-A. GRCh37 (hg19) VCF-style: chr2-219128111-C-A.
Other names: c.664C>A (NM_001321950.1); c.664C>A, p.Gln222Lys (NM_001077191.2, NM_001077194.2, NM_001321950.2); short protein forms Q222K.
Identifiers: ClinVar variation 3521528 (VCV003521528.2).

ClinVar aggregate classification (germline): Uncertain significance. Review status: criteria provided, multiple submitters, no conflicts (2 of 4 stars). 2 submissions from 2 submitters: Uncertain significance (2). Last evaluated 2025-06-23.

Conditions:
GPBAR1-related disorder. Also called: GPBAR1-related condition.

gnomAD v4.1: 8 of 1,598,204 alleles (0.0005%); highest among the groups gnomAD compares: Non-Finnish European, 0.00068%; no homozygotes.

Submissions (2):

PreventionGenetics, part of Exact Sciences
Classification: Uncertain significance for GPBAR1-related condition. Last evaluated: 2025-06-23. Review status: criteria provided, single submitter. Criteria: ACMG Guidelines, 2015. Collection method: clinical testing. Allele origin: germline.
Comment: The GPBAR1 c.664C>A variant is predicted to result in the amino acid substitution p.Gln222Lys. To our knowledge, this variant has not been reported in the literature. This variant is reported in 0.0018% of alleles in individuals of European (Non-Finnish) descent in gnomAD. At this time, the clinical significance of this variant is uncertain due to the absence of conclusive functional and genetic evidence.

Ambry Genetics
Classification: Uncertain significance. Last evaluated: 2024-06-26. Review status: criteria provided, single submitter. Criteria: Ambry Variant Classification Scheme 2023. Collection method: clinical testing. Allele origin: germline.